The following is an entry in ClinVar:

ClinVar aggregate classification (germline): Uncertain significance. Review status: criteria provided, multiple submitters, no conflicts (2 of 4 stars). 2 submissions from 2 submitters: Uncertain significance (2). Last evaluated 2024-01-10.

Conditions:
Sucrase-isomaltase deficiency (CSID). Also called: SI DEFICIENCY; Congenital sucrose isomaltose malabsorption; Sucrose isomaltose enzyme deficiency; Deficiency of isomaltase. Identifiers: Orphanet 35122, MedGen C1283620, MONDO:0009114, OMIM 222900.

Submissions (2):

Fulgent Genetics
Classification: Uncertain significance for Sucrase-isomaltase deficiency. Last evaluated: 2024-01-10. Review status: criteria provided, single submitter. Criteria: ACMG Guidelines, 2015. Collection method: clinical testing. Allele origin: germline.

Labcorp Genetics (formerly Invitae), Labcorp
Classification: Uncertain significance. Last evaluated: 2021-08-27. Review status: criteria provided, single submitter. Criteria: Invitae Variant Classification Sherloc (09022015). Collection method: clinical testing. Allele origin: germline.
Comment: This variant is not present in population databases (ExAC no frequency). This sequence change replaces glycine with cysteine at codon 959 of the SI protein (p.Gly959Cys). The glycine residue is highly conserved and there is a large physicochemical difference between glycine and cysteine. This variant has not been reported in the literature in individuals affected with SI-related conditions. Advanced modeling of protein sequence and biophysical properties (such as structural, functional, and spatial information, amino acid conservation, physicochemical variation, residue mobility, and thermodynamic stability) performed at Invitae indicates that this missense variant is expected to disrupt SI protein function. In summary, the available evidence is currently insufficient to determine the role of this variant in disease. Therefore, it has been classified as a Variant of Uncertain Significance.

NM_001041.4(SI):c.2875G>T (p.Gly959Cys)

Gene: SI (sucrase-isomaltase; minus strand). Cytogenetic location: 3q26.1.
Variant type: single nucleotide variant.
Coding change: c.2875G>T on transcript NM_001041.4 (MANE Select); coding-DNA position 2875, G replaced by T.
Protein change: p.Gly959Cys; replaces glycine 959 with cysteine.
Molecular consequence: missense variant.
Genome position (GRCh38, 1-based): chr3:165,030,729, C>A on the plus strand (G>T on the coding strand, the complement: SI is on the minus strand). VCF-style: chr3-165030729-C-A. GRCh37 (hg19) VCF-style: chr3-164748517-C-A.
Other names: short protein forms G959C.
Identifiers: ClinVar variation 1378131 (VCV001378131.7), dbSNP rs2108202354, ClinGen allele CA355044967.